The following is an entry in ClinVar:

NM_032043.3(BRIP1):c.1794+19T>C

Gene: BRIP1 (BRCA1 interacting DNA helicase 1; minus strand). Cytogenetic location: 17q23.2.
Variant type: single nucleotide variant.
Coding change: c.1794+19T>C on transcript NM_032043.3 (MANE Select); 19 bases into the intron after coding-DNA position 1794, T replaced by C.
Molecular consequence: intron variant.
Genome position (GRCh38, 1-based): chr17:61,780,821, A>G on the plus strand (T>C on the coding strand, the complement: BRIP1 is on the minus strand). VCF-style: chr17-61780821-A-G. GRCh37 (hg19) VCF-style: chr17-59858182-A-G.
Identifiers: ClinVar variation 377594 (VCV000377594.13), dbSNP rs752328575, ClinGen allele CA8690667.

ClinVar aggregate classification (germline): Likely benign. Review status: criteria provided, multiple submitters, no conflicts (2 of 4 stars). 4 submissions from 4 submitters: Likely benign (4). Last evaluated 2026-01-26.

Conditions:
Hereditary cancer-predisposing syndrome. Also called: Tumor predisposition; Neoplastic Syndromes, Hereditary; Hereditary neoplastic syndrome; Hereditary Cancer Syndrome. Identifiers: Orphanet 140162, MedGen C0027672, MeSH D009386, MONDO:0015356.
Familial cancer of breast. Also called: BREAST CANCER, FAMILIAL; Hereditary breast cancer; hereditary breast carcinoma. Identifiers: Orphanet 227535, MedGen C0346153, MONDO:0016419, OMIM 114480. Disease mechanism: loss of function.
Fanconi anemia complementation group J. Also called: BRIP1-Related Fanconi Anemia. Identifiers: Orphanet 84, MedGen C1836860, MONDO:0012187, OMIM 609054.

Allele frequency attached by ClinVar (database versions not stated): TOPMed 0.00001; ExAC 0.00002; gnomAD 0.00003; gnomAD exomes 0.00003 and 0.00004.
gnomAD v4.1: 46 of 1,612,392 alleles (0.0029%); highest among the groups gnomAD compares: Middle Eastern, 0.016%; no homozygotes.

Submissions (4):

Labcorp Genetics (formerly Invitae), Labcorp
Classification: Likely benign for Familial cancer of breast; Fanconi anemia complementation group J. Last evaluated: 2026-01-26. Review status: criteria provided, single submitter. Criteria: Invitae Variant Classification Sherloc (09022015). Collection method: clinical testing. Allele origin: germline.

Blueprint Genetics
Classification: Likely benign. Last evaluated: 2024-11-19. Review status: criteria provided, single submitter. Criteria: ACMG Guidelines, 2015. Collection method: clinical testing. Allele origin: germline.

GeneDx
Classification: Likely benign. Last evaluated: 2017-03-30. Review status: criteria provided, single submitter. Criteria: GeneDx Variant Classification (06012015). Collection method: clinical testing. Allele origin: germline. Affected: yes.
Comment: This variant is considered likely benign or benign based on one or more of the following criteria: it is a conservative change, it occurs at a poorly conserved position in the protein, it is predicted to be benign by multiple in silico algorithms, and/or has population frequency not consistent with disease.

Color Diagnostics, LLC DBA Color Health
Classification: Likely benign for Hereditary cancer-predisposing syndrome. Last evaluated: 2016-02-22. Review status: criteria provided, single submitter. Criteria: ACMG Guidelines, 2015. Collection method: clinical testing. Allele origin: germline.